The following is an entry in ClinVar:

NM_203475.3(PORCN):c.34C>T (p.Gln12Ter)

Gene: PORCN (porcupine O-acyltransferase; plus strand). Cytogenetic location: Xp11.23.
Variant type: single nucleotide variant.
Coding change: c.34C>T on transcript NM_203475.3 (MANE Select); coding-DNA position 34, C replaced by T.
Protein change: p.Gln12Ter; replaces glutamine 12 with a stop codon.
Molecular consequence: nonsense. On other transcripts: 5 prime UTR variant (1), synonymous variant (1), non-coding transcript variant (2).
Genome position (GRCh38, 1-based): chrX:48,509,854, C>T. VCF-style: chrX-48509854-C-T. GRCh37 (hg19) VCF-style: chrX-48368242-C-T.
Other names: c.-109C>T (NM_001282167.2); c.373C>T, p.Gln125Ter (NM_001441333.1, NM_001441334.1); c.139C>T, p.Gln47Ter (NM_001441335.1); c.297C>T, p.Ser99= (NM_001441336.1); c.34C>T, p.Gln12Ter (NM_022825.4, NM_203473.3, NM_203474.1); short protein forms Q12*, Q125*, Q47*.
Identifiers: ClinVar variation 4823221 (VCV004823221.4).

ClinVar aggregate classification (germline): Likely pathogenic (1 of 4 stars; one submission).

Submission:

CeGaT Center for Human Genetics Tuebingen
Classification: Likely pathogenic. Last evaluated: 2026-01-01. Review status: criteria provided, single submitter. Criteria: CeGaT Center For Human Genetics Tuebingen Variant Classification Criteria Version 2. Collection method: clinical testing. Allele origin: germline. Affected: yes. Observed: 1 variant allele.
Comment: PORCN: PVS1:Strong, PM2